The following is an entry in ClinVar:

NM_000466.3(PEX1):c.3526G>T (p.Val1176Leu)

Genes: GATAD1 (GATA zinc finger domain containing 1; plus strand), PEX1 (peroxisomal biogenesis factor 1; minus strand). Cytogenetic location: 7q21.2.
Variant type: single nucleotide variant.
Coding change: c.3526G>T on transcript NM_000466.3 (MANE Select); coding-DNA position 3526, G replaced by T.
Protein change: p.Val1176Leu; replaces valine 1176 with leucine.
Molecular consequence: missense variant.
Genome position (GRCh38, 1-based): chr7:92,489,824, C>A on the plus strand (G>T on the coding strand, the complement: PEX1 is on the minus strand). VCF-style: chr7-92489824-C-A. GRCh37 (hg19) VCF-style: chr7-92119138-C-A.
Other names: c.3355G>T, p.Val1119Leu (NM_001282677.2); c.2902G>T, p.Val968Leu (NM_001282678.2); c.3526G>T (NM_000466.2); short protein forms V1119L, V1176L, V968L.
Identifiers: ClinVar variation 1168299 (VCV001168299.11), dbSNP rs200059929, ClinGen allele CA4340801.
Genomic context (GRCh38, chr7:92,489,824, plus strand): 5'-GTTGATCTCTTTGTTCTTGTGTAAGTTCTTGGCAACCCTCTTGTGAAGCTGTCCTTAACA[C>A]TGGAGGCTGTGAAAACAACTGGTCTTTCCCAGGAACTCCAGGCAAATCCTGAGTCATGGA-3'
Protein context (NP_000457.1, residues 1166-1186): GKDQLFSQPP[Val1176Leu]LRTASQEGCQ

ClinVar aggregate classification (germline): Benign/Likely benign. Review status: criteria provided, multiple submitters, no conflicts (2 of 4 stars). 3 submissions from 3 submitters: Benign (1); Likely benign (2). Last evaluated 2026-03-25.

Conditions:
Zellweger spectrum disorders (ZS). Also called: Zellweger Spectrum Disorder (ZSD); Zellweger Spectrum Disorder; Zellweger Spectrum; Zellweger syndrome. Identifiers: Orphanet 912, MedGen C0043459, MONDO:0019609.
PEX1-related disorder. Also called: PEX1-related condition.

Allele frequency attached by ClinVar (database versions not stated): TOPMed 0.00001; 1000 Genomes Project 30x 0.00016; gnomAD exomes 0.00019 and 0.00042; 1000 Genomes Project 0.00020; gnomAD 0.00022 and 0.00024; ExAC 0.00040.
gnomAD v4.1: 317 of 1,613,984 alleles (0.02%); highest among the groups gnomAD compares: Non-Finnish European, 0.0058%; 3 homozygotes.

Submissions (3):

PreventionGenetics, part of Exact Sciences
Classification: Likely benign for PEX1-related condition. Last evaluated: 2026-03-25. Review status: criteria provided, single submitter. Criteria: ACMG Guidelines, 2015. Collection method: clinical testing. Allele origin: germline.
Comment: This variant is classified as likely benign based on ACMG/AMP sequence variant interpretation guidelines (Richards et al. 2015 PMID: 25741868, with internal and published modifications).

Labcorp Genetics (formerly Invitae), Labcorp
Classification: Benign for Zellweger spectrum disorders. Last evaluated: 2025-02-05. Review status: criteria provided, single submitter. Criteria: Invitae Variant Classification Sherloc (09022015). Collection method: clinical testing. Allele origin: germline.

Blueprint Genetics
Classification: Likely benign. Last evaluated: 2024-11-07. Review status: criteria provided, single submitter. Criteria: ACMG Guidelines, 2015. Collection method: clinical testing. Allele origin: germline.